The following is an entry in ClinVar:

NM_001170700.3(DTHD1):c.1714A>G (p.Ser572Gly)

Gene: DTHD1 (death domain containing 1; plus strand). Cytogenetic location: 4p14.
Variant type: single nucleotide variant.
Coding change: c.1714A>G on transcript NM_001170700.3 (MANE Select); coding-DNA position 1714, A replaced by G.
Protein change: p.Ser572Gly; replaces serine 572 with glycine.
Molecular consequence: missense variant. On other transcripts: non-coding transcript variant (2).
Genome position (GRCh38, 1-based): chr4:36,306,261, A>G. VCF-style: chr4-36306261-A-G. GRCh37 (hg19) VCF-style: chr4-36307883-A-G.
Other names: c.844A>G, p.Ser282Gly (NM_001136536.5); c.781A>G, p.Ser261Gly (NM_001378435.1); short protein forms S261G, S282G, S572G.
Identifiers: ClinVar variation 1360935 (VCV001360935.8), dbSNP rs1177375775, ClinGen allele CA356680429.

ClinVar aggregate classification (germline): Uncertain significance (1 of 4 stars; one submission).

Allele frequency attached by ClinVar (database versions not stated): gnomAD exomes 0.00001.
gnomAD v4.1: 17 of 1,551,872 alleles (0.0011%); highest among the groups gnomAD compares: Non-Finnish European, 0.0014%; no homozygotes.

Submission:

Labcorp Genetics (formerly Invitae), Labcorp
Classification: Uncertain significance. Last evaluated: 2021-04-17. Review status: criteria provided, single submitter. Criteria: Invitae Variant Classification Sherloc (09022015). Collection method: clinical testing. Allele origin: germline.
Comment: In summary, the available evidence is currently insufficient to determine the role of this variant in disease. Therefore, it has been classified as a Variant of Uncertain Significance. Algorithms developed to predict the effect of missense changes on protein structure and function are either unavailable or do not agree on the potential impact of this missense change (SIFT: "Tolerated"; PolyPhen-2: "Probably Damaging"; Align-GVGD: "Class C0"). This variant has not been reported in the literature in individuals with DTHD1-related conditions. This variant is not present in population databases (ExAC no frequency). This sequence change replaces serine with glycine at codon 282 of the DTHD1 protein (p.Ser282Gly). The serine residue is highly conserved and there is a small physicochemical difference between serine and glycine.